The following is an entry in ClinVar:

NM_007294.4(BRCA1):c.98A>G (p.Glu33Gly)

Gene: BRCA1 (BRCA1 DNA repair associated; minus strand). Cytogenetic location: 17q21.31.
Variant type: single nucleotide variant.
Coding change: c.98A>G on transcript NM_007294.4 (MANE Select); coding-DNA position 98, A replaced by G.
Protein change: p.Glu33Gly; replaces glutamic acid 33 with glycine.
Molecular consequence: missense variant. On other transcripts: non-coding transcript variant (1), intron variant (1).
Genome position (GRCh38, 1-based): chr17:43,115,762, T>C on the plus strand (A>G on the coding strand, the complement: BRCA1 is on the minus strand). VCF-style: chr17-43115762-T-C. GRCh37 (hg19) VCF-style: chr17-41267779-T-C.
Other names: c.-44A>G (NM_001407737.1, NM_001407739.1, NM_001407740.1 and 47 more transcripts); c.-160A>G (NM_001407746.1, NM_001407749.1, NM_001407842.1 and 13 more transcripts); c.-40A>G (NM_001407841.1); c.-91A>G (NM_001407853.1, NM_001407879.1, NM_001407882.1 and 52 more transcripts); c.98A>G, p.Glu33Gly (NM_001407854.1, NM_001407858.1, NM_001407859.1 and 192 more transcripts); c.-207A>G (NM_001407889.1, NM_001407900.1, NM_001408492.1); c.-206A>G (NM_001407960.1, NM_001407962.1, NM_001408510.1 and 1 more transcripts); c.-322A>G (NM_001407965.1); and 2 more; short protein forms E33G.
Identifiers: ClinVar variation 865112 (VCV000865112.3), dbSNP rs876660844, ClinGen allele CA10601957.
Genomic context (GRCh38, chr17:43,115,762, plus strand): 5'-GCCACATAACACATTCAAACTTACTTGCAAAATATGTGGTCACACTTTGTGGAGACAGGT[T>C]CCTTGATCAACTCCAGACTAGCAGGGTAGGGGGGGAGAAAAAGAAAATAAATGAGGCTCA-3'
Protein context (NP_009225.1, residues 23-43): ECPICLELIK[Glu33Gly]PVSTKCDHIF

Conditions:
Breast-ovarian cancer, familial, susceptibility to, 1 (BROVCA1). Also called: BRCA1 Hereditary Breast and Ovarian Cancer; OVARIAN CANCER, SUSCEPTIBILITY TO. Identifiers: Orphanet 145, MedGen C2676676, MONDO:0011450, OMIM 604370. Disease mechanism: loss of function.

Submission:

Brotman Baty Institute, University of Washington
No classification provided (evidence only). Condition: Breast-ovarian cancer, familial 1. Review status: no classification provided. Collection method: in vitro. Allele origin: not applicable. Functional consequence: function_uncertain_variant.
ClinVar note: "not provided" was previously submitted as the classification for the variant. However, the classification appeared to be based only on an observation of functional data so it was converted to no classification on 2025-07-30.